The following is an entry in ClinVar:

ClinVar aggregate classification (germline): Benign. Review status: criteria provided, single submitter (1 of 4 stars). 2 submissions from 2 submitters: Benign (1). 1 of the submissions does not count toward it. Last evaluated 2023-04-14.

Conditions:
KIDINS220-related disorder. Also called: KIDINS220-related condition.

Submissions (2):

Labcorp Genetics (formerly Invitae), Labcorp
Classification: Benign. Last evaluated: 2023-04-14. Review status: criteria provided, single submitter. Criteria: Invitae Variant Classification Sherloc (09022015). Collection method: clinical testing. Allele origin: germline.

PreventionGenetics, part of Exact Sciences
Classification: Likely benign for KIDINS220-related condition. Last evaluated: 2022-11-23. Review status: no assertion criteria provided. Collection method: clinical testing. Allele origin: germline. Not counted in ClinVar's aggregate classification.
Comment: This variant is classified as likely benign based on ACMG/AMP sequence variant interpretation guidelines (Richards et al. 2015 PMID: 25741868, with internal and published modifications).

NM_020738.4(KIDINS220):c.3718-7del

Gene: KIDINS220 (kinase D interacting substrate 220; minus strand). Cytogenetic location: 2p25.1.
Variant type: Deletion.
Coding change: c.3718-7del on transcript NM_020738.4 (MANE Select); 7 bases into the intron before coding-DNA position 3718, one base deleted (T; older notation c.3718-7delT).
Molecular consequence: intron variant.
Genome position (GRCh38, 1-based): chr2:8,734,760, A deleted on the plus strand (T on the coding strand, the reverse complement: KIDINS220 is on the minus strand); the first of 5 consecutive A bases (chr2:8,734,760-8,734,764); deleting any one gives the same sequence. VCF-style (leftmost placement, unchanged base first): chr2-8734759-TA-T. GRCh37 (hg19) VCF-style: chr2-8874889-TA-T.
Other names: c.3718-7delT (NM_020738.2); c.3547-7del (NM_001348741.2, NM_001348742.2, NM_001348743.2 and 1 more transcripts); c.3661-7del (NM_001348738.2, NM_001348732.2); c.3550-7del (NM_001348739.2, NM_001348740.2, NM_001348734.2); c.3664-7del (NM_001348731.2); c.3721-7del (NM_001348729.2); c.3421-7del (NM_001348736.2).
Identifiers: ClinVar variation 1988855 (VCV001988855.6), dbSNP rs752924094, ClinGen allele CA1519531.